The following is an entry in ClinVar:

ClinVar aggregate classification (germline): Benign. Review status: criteria provided, multiple submitters, no conflicts (2 of 4 stars). 2 submissions from 2 submitters: Benign (2). Last evaluated 2018-01-13.

Conditions:
Vanishing white matter disease. Also called: CACH syndrome; Childhood ataxia with diffuse central nervous system hypomyelination; Leukoencephalopathy with vanishing white matter; CACH/VWM syndrome; Cree leukoencehalopathy. Identifiers: Orphanet 135, Orphanet 99853, MedGen C1858991, MONDO:0800448.

Allele frequency attached by ClinVar (database versions not stated): gnomAD exomes 0.00373; gnomAD 0.01239 and 0.01269; TOPMed 0.01573; 1000 Genomes Project 0.01577; 1000 Genomes Project 30x 0.01608.
gnomAD v4.1: 3,199 of 495,352 alleles (0.65%); highest among the groups gnomAD compares: Admixed American, 4.7%; 56 homozygotes.

Submissions (2):

Illumina Laboratory Services, Illumina
Classification: Benign for Leukoencephalopathy with vanishing white matter 1. Last evaluated: 2018-01-13. Review status: criteria provided, single submitter. Criteria: ICSL Variant Classification Criteria 13 December 2019. Collection method: clinical testing. Allele origin: germline.
Comment: This variant was observed in the ICSL laboratory as part of a predisposition screen in an ostensibly healthy population. It had not been previously curated by ICSL or reported in the Human Gene Mutation Database (HGMD: prior to June 1st, 2018), and was therefore a candidate for classification through an automated scoring system. Utilizing variant allele frequency, disease prevalence and penetrance estimates, and inheritance mode, an automated score was calculated to assess if this variant is too frequent to cause the disease. Based on the score and internal cut-off values, a variant classified as benign is not then subjected to further curation. The score for this variant resulted in a classification of benign for this disease.

Breakthrough Genomics
Classification: Benign. Review status: criteria provided, single submitter. Criteria: ACMG Guidelines, 2015. Collection method: not provided. Allele origin: germline. Inheritance: Autosomal recessive inheritance. Affected: yes.

NM_001414.4(EIF2B1):c.*258A>G

Genes: EIF2B1 (eukaryotic translation initiation factor 2B subunit alpha; minus strand), LOC126861664 (CDK7 strongly-dependent group 2 enhancer GRCh37_chr12:124105924-124107123; plus strand). Cytogenetic location: 12q24.31.
Variant type: single nucleotide variant.
Coding change: c.*258A>G on transcript NM_001414.4 (MANE Select); 258 bases downstream of the stop codon, A replaced by G.
Molecular consequence: 3 prime UTR variant.
Genome position (GRCh38, 1-based): chr12:123,621,498, T>C on the plus strand (A>G on the coding strand, the complement: EIF2B1 is on the minus strand). VCF-style: chr12-123621498-T-C. GRCh37 (hg19) VCF-style: chr12-124106045-T-C.
Identifiers: ClinVar variation 307526 (VCV000307526.6), dbSNP rs77672690, ClinGen allele CA10641251.